The following is an entry in ClinVar:

NM_174878.3(CLRN1):c.434-242T>C

Gene: CLRN1 (clarin 1; minus strand). Cytogenetic location: 3q25.1.
Variant type: single nucleotide variant.
Coding change: c.434-242T>C on transcript NM_174878.3 (MANE Select); 242 bases into the intron before coding-DNA position 434, T replaced by C.
Molecular consequence: intron variant.
Genome position (GRCh38, 1-based): chr3:150,928,443, A>G on the plus strand (T>C on the coding strand, the complement: CLRN1 is on the minus strand). VCF-style: chr3-150928443-A-G. GRCh37 (hg19) VCF-style: chr3-150646230-A-G.
Other names: c.206-242T>C (NM_052995.2); c.473-242T>C (NM_001195794.1); c.48-242T>C (NM_001256819.2).
Identifiers: ClinVar variation 678799 (VCV000678799.1), dbSNP rs75188440, ClinGen allele CA11540261.

ClinVar aggregate classification (germline): Benign (1 of 4 stars; one submission).

Allele frequency attached by ClinVar (database versions not stated): gnomAD 0.04673 and 0.04774; TOPMed 0.04721; 1000 Genomes Project 0.07208.
gnomAD v4.1: 7,185 of 151,120 alleles (4.8%); highest among the groups gnomAD compares: East Asian, 12%; 219 homozygotes.

Submission:

GeneDx
Classification: Benign. Last evaluated: 2018-06-14. Review status: criteria provided, single submitter. Criteria: GeneDx Variant Classification (06012015). Collection method: clinical testing. Allele origin: germline. Affected: yes.
Comment: This variant is considered likely benign or benign based on one or more of the following criteria: it is a conservative change, it occurs at a poorly conserved position in the protein, it is predicted to be benign by multiple in silico algorithms, and/or has population frequency not consistent with disease.